The following is an entry in ClinVar:

ClinVar aggregate classification (germline): Likely pathogenic (1 of 4 stars; one submission).

Submission:

Labcorp Genetics (formerly Invitae), Labcorp
Classification: Likely pathogenic. Last evaluated: 2021-05-01. Review status: criteria provided, single submitter. Criteria: Invitae Variant Classification Sherloc (09022015). Collection method: clinical testing. Allele origin: germline.
Comment: In summary, the currently available evidence indicates that the variant is pathogenic, but additional data are needed to prove that conclusively. Therefore, this variant has been classified as Likely Pathogenic. This variant has not been reported in the literature in individuals with USH2A-related conditions. This variant results in a copy number gain of the genomic region encompassing exon(s) 5-9 of the USH2A gene. While the exact position of this variant cannot be determined from the data, sub-genic copy number gains are generally in tandem (PMID: 25640679). This variant is predicted to be out-of-frame, and may result in an absent or disrupted protein product. Loss-of-function variants in USH2A are known to be pathogenic (PMID: 10729113, 10909849, 20507924, 25649381).

Literature cited by the submitters: PubMed 25640679; PubMed 10729113; PubMed 10909849; PubMed 20507924; PubMed 25649381.

NC_000001.10:g.(?_216495215)_(216501006_?)dup

Gene: USH2A (usherin; minus strand). Cytogenetic location: 1q41.
Variant type: Duplication.
Identifiers: ClinVar variation 1350013 (VCV001350013.4).